The following is an entry in ClinVar:

ClinVar aggregate classification (germline): Pathogenic. Review status: criteria provided, multiple submitters, no conflicts (2 of 4 stars). 3 submissions from 3 submitters: Pathogenic (2). 1 of the submissions does not count toward it. Last evaluated 2024-03-12.

Conditions:
Primary ciliary dyskinesia 23 (CILD23). Also called: CILIARY DYSKINESIA, PRIMARY, 23, WITH OR WITHOUT SITUS INVERSUS. Identifiers: Orphanet 244, MedGen C3809548, MONDO:0014193, OMIM 615451.

Submissions (3):

Broad Center for Mendelian Genomics, Broad Institute of MIT and Harvard
Classification: Pathogenic for Primary ciliary dyskinesia 23. Last evaluated: 2024-03-12. Review status: criteria provided, single submitter. Criteria: ACMG Guidelines, 2015. Collection method: curation. Allele origin: germline. Inheritance: Autosomal recessive inheritance.
Comment: The homozygous p.Ser892Ter variant in ARMC4 was identified by our study in two siblings with congenital fibrosis of the extraocular muscles, global developmental delay, situs inversus, and ciliary dyskinesia, via a collaborative study between the Broad Institute's Center for Mendelian Genomics and the Engle lab. The p.Ser892Ter variant in ARMC4 has been previously reported in 2 unrelated individuals with primary ciliary dyskinesia 23 (PMID: 24203976, PMID: 23849778) and segregated with disease in 2 affected relatives from one family (PMID: 24203976). These two affected unrelated individuals were homozygotes, which increases the likelihood that the p.Ser892Ter variant is pathogenic. This variant has also been reported in ClinVar (Variation ID: 66047) and has been interpreted as pathogenic by the Lupski Lab of the Baylor College of Medicine and by OMIM. This variant was absent from large population studies. This nonsense variant leads to a premature termination codon at position 892, which is predicted to lead to a truncated or absent protein. Loss of function of the ARMC4 gene is an established disease mechanism in autosomal recessive primary ciliary dyskinesia 23. In summary, this variant meets criteria to be classified as pathogenic for autosomal recessive primary ciliary dyskinesia 23. ACMG/AMP Criteria applied: PVS1, PM2_Supporting, PM3 (Richards 2015).

Lupski Lab, Baylor-Hopkins CMG, Baylor College of Medicine
Classification: Pathogenic for Primary ciliary dyskinesia 23. Last evaluated: 2013-04-03. Review status: criteria provided, single submitter. Criteria: Hjeij et al. (Am J Hum Genet. 2013). Collection method: research. Allele origin: germline. Inheritance: Autosomal recessive inheritance. Affected: yes. Observed: 1 variant allele, 1 homozygote.
Comment: This homozygous mutation was predicted to be loss-of-function.

OMIM
Classification: Pathogenic for CILIARY DYSKINESIA, PRIMARY, 23. Last evaluated: 2014-01-01. Review status: no assertion criteria provided. Collection method: literature only. Allele origin: germline. Not counted in ClinVar's aggregate classification.

Literature cited by the submitters: PubMed 39033378 (cited by Broad Center for Mendelian Genomics, Broad Institute of MIT and Harvard); PubMed 23849778 (cited by OMIM); PubMed 24203976 (cited by OMIM).

NM_018076.5(ODAD2):c.2675C>A (p.Ser892Ter)

Gene: ODAD2 (outer dynein arm docking complex subunit 2; minus strand). Cytogenetic location: 10p12.1.
Variant type: single nucleotide variant.
Coding change: c.2675C>A on transcript NM_018076.5 (MANE Select); coding-DNA position 2675, C replaced by A.
Protein change: p.Ser892Ter; replaces serine 892 with a stop codon.
Molecular consequence: nonsense.
Genome position (GRCh38, 1-based): chr10:27,862,558, G>T on the plus strand (C>A on the coding strand, the complement: ODAD2 is on the minus strand). VCF-style: chr10-27862558-G-T. GRCh37 (hg19) VCF-style: chr10-28151487-G-T.
Other names: NM_018076.5(ODAD2):c.2675C>A; p.Ser892Ter; c.2675C>A, p.Ser892Ter (NM_001290020.2); c.1250C>A, p.Ser417Ter (NM_001290021.2); c.1751C>A, p.Ser584Ter (NM_001312689.2); short protein forms S892*, S417*, S584*.
Identifiers: ClinVar variation 66047 (VCV000066047.3), dbSNP rs587777049, ClinGen allele CA214699.
Genomic context (GRCh38, chr10:27,862,558, plus strand): 5'-TGATCTTTTGCTATGTTGGTAATGGCAGCACATACACTTGCCAGAACTTCTTTGTTATCT[G>T]ATTTCAGTAAATTGACAATAAGTTCCAAACCACCAACAAAGGAACGAACCATTTCCCCAG-3'